The following is an entry in ClinVar:

ClinVar aggregate classification (germline): Pathogenic. Review status: criteria provided, single submitter (1 of 4 stars). 2 submissions from 2 submitters: Pathogenic (1). 1 of the submissions does not count toward it. Last evaluated 2023-08-30.

Conditions:
Focal facial dermal dysplasia type III. Also called: FFDD type 2; BITEMPORAL FORCEPS MARKS SYNDROME; FOCAL FACIAL DERMAL DYSPLASIA, TYPE II; SETLEIS SYNDROME; Focal facial dermal dysplasia 3; Focal facial dermal dysplasia 3, Setleis type. Identifiers: Orphanet 1807, Orphanet 398166, MedGen C1744559, MONDO:0009203, OMIM 227260.

Allele frequency attached by ClinVar (database versions not stated): TOPMed 0.00006; gnomAD 0.00002; gnomAD exomes 0.00001.
gnomAD v4.1: 9 of 1,582,640 alleles (0.00057%); highest among the groups gnomAD compares: Admixed American, 0.014%; no homozygotes.

Submissions (2):

GeneDx
Classification: Pathogenic. Last evaluated: 2023-08-30. Review status: criteria provided, single submitter. Criteria: GeneDx Variant Classification Process June 2021. Collection method: clinical testing. Allele origin: germline. Affected: yes.
Comment: Published functional studies demonstrate that Q119X has a reduced ability to act as a transcription factor (Franco et al., 2011).; Nonsense variant in the C-terminus predicted to result in protein truncation, as the last 42 amino acids are lost; This variant is associated with the following publications: (PMID: 21801849, 20437613, 14069095, 20691403)

OMIM
Classification: Pathogenic for FOCAL FACIAL DERMAL DYSPLASIA 3, SETLEIS TYPE. Last evaluated: 2010-08-13. Review status: no assertion criteria provided. Collection method: literature only. Allele origin: germline. Not counted in ClinVar's aggregate classification.

Literature cited by the submitters: PubMed 14069095 (cited by OMIM); PubMed 20691403 (cited by OMIM).

NM_001271893.4(TWIST2):c.355C>T (p.Gln119Ter)

Gene: TWIST2 (twist family bHLH transcription factor 2; plus strand). Cytogenetic location: 2q37.3.
Variant type: single nucleotide variant.
Coding change: c.355C>T on transcript NM_001271893.4 (MANE Select); coding-DNA position 355, C replaced by T.
Protein change: p.Gln119Ter; replaces glutamine 119 with a stop codon.
Molecular consequence: nonsense.
Genome position (GRCh38, 1-based): chr2:238,848,570, C>T. VCF-style: chr2-238848570-C-T. GRCh37 (hg19) VCF-style: chr2-239757211-C-T.
Other names: c.355C>T, p.Gln119Ter (NM_057179.3); short protein forms Q119*.
Identifiers: ClinVar variation 30678 (VCV000030678.7), dbSNP rs387906973, ClinGen allele CA129392.